The following is an entry in ClinVar:

NM_001048174.2(MUTYH):c.1213G>C (p.Ala405Pro)

Gene: MUTYH (mutY DNA glycosylase; minus strand). Cytogenetic location: 1p34.1.
Variant type: single nucleotide variant.
Coding change: c.1213G>C on transcript NM_001048174.2 (MANE Select); coding-DNA position 1213, G replaced by C.
Protein change: p.Ala405Pro; replaces alanine 405 with proline.
Molecular consequence: missense variant. On other transcripts: non-coding transcript variant (7).
Genome position (GRCh38, 1-based): chr1:45,331,446, C>G on the plus strand (G>C on the coding strand, the complement: MUTYH is on the minus strand). VCF-style: chr1-45331446-C-G. GRCh37 (hg19) VCF-style: chr1-45797118-C-G.
Other names: c.1213G>C, p.Ala405Pro (NM_001048171.2, NM_001048173.2, NM_001293195.2 and 6 more transcripts); c.1216G>C, p.Ala406Pro (NM_001048172.2, NM_001407071.1, NM_001407078.1 and 1 more transcripts); c.1297G>C, p.Ala433Pro (NM_001128425.2); c.1258G>C, p.Ala420Pro (NM_001293190.2); c.1246G>C, p.Ala416Pro (NM_001293191.2, NM_001407069.1, NM_001407077.1); c.937G>C, p.Ala313Pro (NM_001293192.2, NM_001293196.2, NM_001407091.1); c.868G>C, p.Ala290Pro (NM_001350650.2, NM_001350651.2, NM_001407082.1); c.1129G>C, p.Ala377Pro (NM_001407075.1); and 5 more; short protein forms A290P, A377P, A392P, A416P, A419P, A420P, A313P, A405P.
Identifiers: ClinVar variation 4113158 (VCV004113158.1).
Genomic context (GRCh38, chr1:45,331,446, plus strand): 5'-GCCAACATCCTTGGCTATTCCGCTGCTCACTTACCTCCCCAAGGTGCCGGAGGTGCGTGG[C>G]TGGGAGGGGCCCAGCCCAACGCTGTAGTTCCTGCAGCAGGGCCTTGCGCTGAAGCTGCTC-3'
Protein context (NP_001041639.1, residues 395-415): ELQRWAGPLP[Ala405Pro]THLRHLGEVV

ClinVar aggregate classification (germline): Uncertain significance (1 of 4 stars; one submission).

Conditions:
Hereditary cancer-predisposing syndrome. Also called: Tumor predisposition; Neoplastic Syndromes, Hereditary; Hereditary neoplastic syndrome; Hereditary Cancer Syndrome. Identifiers: Orphanet 140162, MedGen C0027672, MeSH D009386, MONDO:0015356.

Submission:

Ambry Genetics
Classification: Uncertain significance for Hereditary cancer-predisposing syndrome. Last evaluated: 2025-08-27. Review status: criteria provided, single submitter. Criteria: Ambry Variant Classification Scheme 2023. Collection method: clinical testing. Allele origin: germline.
Comment: The p.A433P variant (also known as c.1297G>C), located in coding exon 13 of the MUTYH gene, results from a G to C substitution at nucleotide position 1297. The alanine at codon 433 is replaced by proline, an amino acid with highly similar properties. This amino acid position is conserved. In addition, this alteration is predicted to be tolerated by in silico analysis. Based on the available evidence, the clinical significance of this variant remains unclear.